The following is an entry in ClinVar:

NM_016123.4(IRAK4):c.44A>G (p.Asn15Ser)

Gene: IRAK4 (interleukin 1 receptor associated kinase 4; plus strand). Cytogenetic location: 12q12.
Variant type: single nucleotide variant.
Coding change: c.44A>G on transcript NM_016123.4 (MANE Select); coding-DNA position 44, A replaced by G.
Protein change: p.Asn15Ser; replaces asparagine 15 with serine.
Molecular consequence: missense variant. On other transcripts: 5 prime UTR variant (8), intron variant (2).
Genome position (GRCh38, 1-based): chr12:43,768,155, A>G. VCF-style: chr12-43768155-A-G. GRCh37 (hg19) VCF-style: chr12-44161958-A-G.
Other names: c.44A>G, p.Asn15Ser (NM_001114182.3, NM_001351345.2); c.-183A>G (NM_001145256.2, NM_001145257.2, NM_001351338.2); c.-396A>G (NM_001351339.2, NM_001351340.2, NM_001351341.2); c.-334A>G (NM_001351343.2, NM_001351344.2); c.-278-2883A>G (NM_001351342.2); c.-65-4025A>G (NM_001145258.2); short protein forms N15S.
Identifiers: ClinVar variation 1986017 (VCV001986017.4), dbSNP rs772274120, ClinGen allele CA6522266.

ClinVar aggregate classification (germline): Uncertain significance (1 of 4 stars; one submission).

Conditions:
Immunodeficiency 67. Also called: Immunodeficiency due to interleukin-1 receptor-associated kinase-4 deficiency. Identifiers: Orphanet 70592, MedGen C1843256, MONDO:0011888, OMIM 607676.

Allele frequency attached by ClinVar (database versions not stated): gnomAD exomes below 0.00001; ExAC 0.00001.

Submission:

Labcorp Genetics (formerly Invitae), Labcorp
Classification: Uncertain significance for Immunodeficiency 67. Last evaluated: 2022-04-29. Review status: criteria provided, single submitter. Criteria: Invitae Variant Classification Sherloc (09022015). Collection method: clinical testing. Allele origin: germline.
Comment: This variant has not been reported in the literature in individuals affected with IRAK4-related conditions. This variant is present in population databases (rs772274120, gnomAD 0.003%). This sequence change replaces asparagine, which is neutral and polar, with serine, which is neutral and polar, at codon 15 of the IRAK4 protein (p.Asn15Ser). Algorithms developed to predict the effect of missense changes on protein structure and function output the following: SIFT: "Tolerated"; PolyPhen-2: "Benign"; Align-GVGD: "Class C0". The serine amino acid residue is found in multiple mammalian species, which suggests that this missense change does not adversely affect protein function. In summary, the available evidence is currently insufficient to determine the role of this variant in disease. Therefore, it has been classified as a Variant of Uncertain Significance.